The following is an entry in ClinVar:

NM_000821.7(GGCX):c.730C>T (p.Leu244=)

Gene: GGCX (gamma-glutamyl carboxylase; minus strand). Cytogenetic location: 2p11.2.
Variant type: single nucleotide variant.
Coding change: c.730C>T on transcript NM_000821.7 (MANE Select); coding-DNA position 730, C replaced by T.
Protein change: p.Leu244=; no amino-acid change (leucine 244 retained).
Molecular consequence: synonymous variant.
Genome position (GRCh38, 1-based): chr2:85,554,302, G>A on the plus strand (C>T on the coding strand, the complement: GGCX is on the minus strand). VCF-style: chr2-85554302-G-A. GRCh37 (hg19) VCF-style: chr2-85781425-G-A.
Other names: c.559C>T, p.Leu187= (NM_001142269.4).
Identifiers: ClinVar variation 1576964 (VCV001576964.28), dbSNP rs374604159, ClinGen allele CA1742025.

ClinVar aggregate classification (germline): Likely benign. Review status: criteria provided, multiple submitters, no conflicts (2 of 4 stars). 2 submissions from 2 submitters: Likely benign (2). Last evaluated 2026-01-02.

Allele frequency attached by ClinVar (database versions not stated): gnomAD 0.00010 and 0.00011; gnomAD exomes 0.00010 and 0.00017; ExAC 0.00013; ESP Exome Variant Server 0.00015; TOPMed 0.00015.

Submissions (2):

Labcorp Genetics (formerly Invitae), Labcorp
Classification: Likely benign. Last evaluated: 2026-01-02. Review status: criteria provided, single submitter. Criteria: Invitae Variant Classification Sherloc (09022015). Collection method: clinical testing. Allele origin: germline.

CeGaT Center for Human Genetics Tuebingen
Classification: Likely benign. Last evaluated: 2024-04-01. Review status: criteria provided, single submitter. Criteria: CeGaT Center For Human Genetics Tuebingen Variant Classification Criteria Version 2. Collection method: clinical testing. Allele origin: germline. Affected: yes. Observed: 1 variant allele.
Comment: GGCX: BP4, BP7